The following is an entry in ClinVar:

NM_001429.4(EP300):c.2584C>G (p.Pro862Ala)

Gene: EP300 (EP300 lysine acetyltransferase; plus strand). Cytogenetic location: 22q13.2.
Variant type: single nucleotide variant.
Coding change: c.2584C>G on transcript NM_001429.4 (MANE Select); coding-DNA position 2584, C replaced by G.
Protein change: p.Pro862Ala; replaces proline 862 with alanine.
Molecular consequence: missense variant.
Genome position (GRCh38, 1-based): chr22:41,149,965, C>G. VCF-style: chr22-41149965-C-G. GRCh37 (hg19) VCF-style: chr22-41545969-C-G.
Other names: c.2506C>G, p.Pro836Ala (NM_001362843.2); short protein forms P836A, P862A.
Identifiers: ClinVar variation 3371703 (VCV003371703.3).

ClinVar aggregate classification (germline): Uncertain significance. Review status: criteria provided, multiple submitters, no conflicts (2 of 4 stars). 2 submissions from 2 submitters: Uncertain significance (2). Last evaluated 2024-09-17.

Conditions:
Rubinstein-Taybi syndrome due to EP300 haploinsufficiency. Also called: RUBINSTEIN-TAYBI SYNDROME 2; EP300-Related Rubinstein-Taybi Syndrome. Identifiers: Orphanet 353284, Orphanet 783, MedGen C3150941, MONDO:0013364, OMIM 613684.

gnomAD v4.1: 2 of 1,614,020 alleles (0.00012%); highest among the groups gnomAD compares: African/African-American, 0.0013%; no homozygotes.

Submissions (2):

Labcorp Genetics (formerly Invitae), Labcorp
Classification: Uncertain significance for Rubinstein-Taybi syndrome due to EP300 haploinsufficiency. Last evaluated: 2024-09-17. Review status: criteria provided, single submitter. Criteria: Invitae Variant Classification Sherloc (09022015). Collection method: clinical testing. Allele origin: germline.
Comment: This sequence change replaces proline, which is neutral and non-polar, with alanine, which is neutral and non-polar, at codon 862 of the EP300 protein (p.Pro862Ala). This variant is not present in population databases (gnomAD no frequency). This variant has not been reported in the literature in individuals affected with EP300-related conditions. Invitae Evidence Modeling of protein sequence and biophysical properties (such as structural, functional, and spatial information, amino acid conservation, physicochemical variation, residue mobility, and thermodynamic stability) indicates that this missense variant is not expected to disrupt EP300 protein function with a negative predictive value of 80%. In summary, the available evidence is currently insufficient to determine the role of this variant in disease. Therefore, it has been classified as a Variant of Uncertain Significance.

GeneDx
Classification: Uncertain significance. Last evaluated: 2024-03-26. Review status: criteria provided, single submitter. Criteria: GeneDx Variant Classification Process June 2021. Collection method: clinical testing. Allele origin: germline. Affected: yes.
Comment: Not observed at significant frequency in large population cohorts (gnomAD); In silico analysis supports that this missense variant does not alter protein structure/function; Has not been previously published as pathogenic or benign to our knowledge